The following is an entry in ClinVar:

NM_024408.4(NOTCH2):c.4113C>G (p.Pro1371=)

Gene: NOTCH2 (notch receptor 2; minus strand). Cytogenetic location: 1p12.
Variant type: single nucleotide variant.
Coding change: c.4113C>G on transcript NM_024408.4 (MANE Select); coding-DNA position 4113, C replaced by G.
Protein change: p.Pro1371=; no amino-acid change (proline 1371 retained).
Molecular consequence: synonymous variant.
Genome position (GRCh38, 1-based): chr1:119,925,703, G>C on the plus strand (C>G on the coding strand, the complement: NOTCH2 is on the minus strand). VCF-style: chr1-119925703-G-C. GRCh37 (hg19) VCF-style: chr1-120468326-G-C.
Other names: c.4113C>G (NM_024408.3).
Identifiers: ClinVar variation 1570869 (VCV001570869.33), dbSNP rs141657857, ClinGen allele CA1039911.
Genomic context (GRCh38, chr1:119,925,703, plus strand): 5'-AGGGTGGCAGCTGCCCCCGTGCTGGCAGGGGCTACTGGCACAGCCTGACTCGCAGTCCCG[G>C]GGACTGGGGCAGAAGCAGCGGGGTCCAGAGGCGGTGTGCACACACTGCTCCCCCTTCCTA-3'
Protein context (NP_077719.2, residues 1361-1381): ASGPRCFCPS[Pro1371=]RDCESGCASS

ClinVar aggregate classification (germline): Likely benign. Review status: criteria provided, multiple submitters, no conflicts (2 of 4 stars). 3 submissions from 3 submitters: Likely benign (3). Last evaluated 2026-07-02.

Conditions:
NOTCH2-related disorder. Also called: NOTCH2-related condition.
Hajdu-Cheney syndrome (HJCYS). Also called: SERPENTINE FIBULA-POLYCYSTIC KIDNEY SYNDROME; Acroosteolysis dominant type; ACROOSTEOLYSIS WITH OSTEOPOROSIS AND CHANGES IN SKULL AND MANDIBLE. Identifiers: Orphanet 955, MedGen C0917715, MONDO:0007057, OMIM 102500.

Allele frequency attached by ClinVar (database versions not stated): gnomAD exomes 0.00007 and 0.00011; ExAC 0.00008; TOPMed 0.00009; gnomAD 0.00013 and 0.00014; ESP Exome Variant Server 0.00015.
gnomAD v4.1: 175 of 1,612,748 alleles (0.011%); highest among the groups gnomAD compares: Non-Finnish European, 0.014%; no homozygotes.

Submissions (3):

PreventionGenetics, part of Exact Sciences
Classification: Likely benign for NOTCH2-related condition. Last evaluated: 2026-07-02. Review status: criteria provided, single submitter. Criteria: ACMG Guidelines, 2015. Collection method: clinical testing. Allele origin: germline.
Comment: This variant is classified as likely benign based on ACMG/AMP sequence variant interpretation guidelines (Richards et al. 2015 PMID: 25741868, with internal and published modifications).

Labcorp Genetics (formerly Invitae), Labcorp
Classification: Likely benign for Hajdu-Cheney syndrome. Last evaluated: 2025-11-24. Review status: criteria provided, single submitter. Criteria: Invitae Variant Classification Sherloc (09022015). Collection method: clinical testing. Allele origin: germline.

CeGaT Center for Human Genetics Tuebingen
Classification: Likely benign. Last evaluated: 2022-10-01. Review status: criteria provided, single submitter. Criteria: CeGaT Center For Human Genetics Tuebingen Variant Classification Criteria Version 2. Collection method: clinical testing. Allele origin: germline. Affected: yes. Observed: 1 variant allele.
Comment: NOTCH2: BP4, BP7